The following is an entry in ClinVar:

ClinVar aggregate classification (germline): Conflicting classifications of pathogenicity. Review status: criteria provided, conflicting classifications (1 of 4 stars). 5 submissions from 5 submitters: Uncertain significance (2); Likely benign (3). Last evaluated 2025-05-30.

Conditions:
Hereditary cancer-predisposing syndrome. Also called: Neoplastic Syndromes, Hereditary; Hereditary neoplastic syndrome; Hereditary Cancer Syndrome; Tumor predisposition. Identifiers: Orphanet 140162, MedGen C0027672, MeSH D009386, MONDO:0015356.
POLD1-related polyposis and colorectal cancer syndrome (CRCS10). Also called: Colorectal cancer, susceptibility to, 10; Colorectal cancer 10; COLORECTAL CANCER, SUSCEPTIBILITY TO, ON CHROMOSOME 19q. Identifiers: Orphanet 220460, MedGen C2675481, MONDO:0012953, OMIM 612591.

Allele frequency attached by ClinVar (database versions not stated): gnomAD exomes 0.00009; gnomAD 0.00011; TOPMed 0.00011; ExAC 0.00015; ESP Exome Variant Server 0.00023; 1000 Genomes Project 30x 0.00031; 1000 Genomes Project 0.00040.
gnomAD v4.1: 81 of 1,612,930 alleles (0.005%); highest among the groups gnomAD compares: African/African-American, 0.033%; no homozygotes.

Submissions (5):

Women's Health and Genetics/Laboratory Corporation of America, LabCorp
Classification: Likely benign. Last evaluated: 2025-05-30. Review status: criteria provided, single submitter. Criteria: LabCorp Variant Classification Summary - May 2015. Collection method: clinical testing. Allele origin: germline.
Comment: Variant summary: POLD1 c.2669C>T (p.Ala890Val) results in a non-conservative amino acid change in the encoded protein sequence. Algorithms developed to predict the effect of missense changes on protein structure and function are either unavailable or do not agree on the potential impact of this missense change. The variant allele was found at a frequency of 9.3e-05 in 247396 control chromosomes. The observed variant frequency is approximately 6.5 fold of the estimated maximal expected allele frequency for a pathogenic variant in POLD1 causing Colorectal Cancer phenotype (1.4e-05). To our knowledge, no occurrence of c.2669C>T in individuals affected with Colorectal Cancer or other POLD-related disorders and no experimental evidence demonstrating its impact on protein function have been reported. ClinVar contains an entry for this variant (Variation ID: 407969). Based on the evidence outlined above, the variant was classified as likely benign.

Center for Genomic Medicine, Rigshospitalet, Copenhagen University Hospital
Classification: Uncertain significance. Last evaluated: 2025-03-04. Review status: criteria provided, single submitter. Criteria: ACMG Guidelines, 2015. Collection method: clinical testing. Allele origin: germline.

Labcorp Genetics (formerly Invitae), Labcorp
Classification: Uncertain significance for POLD1-related polyposis and colorectal cancer syndrome. Last evaluated: 2024-12-04. Review status: criteria provided, single submitter. Criteria: Invitae Variant Classification Sherloc (09022015). Collection method: clinical testing. Allele origin: germline.
Comment: This sequence change replaces alanine, which is neutral and non-polar, with valine, which is neutral and non-polar, at codon 890 of the POLD1 protein (p.Ala890Val). This variant is present in population databases (rs146344351, gnomAD 0.04%), and has an allele count higher than expected for a pathogenic variant. This variant has not been reported in the literature in individuals affected with POLD1-related conditions. ClinVar contains an entry for this variant (Variation ID: 407969). An algorithm developed to predict the effect of missense changes on protein structure and function (PolyPhen-2) suggests that this variant¬†is likely to be tolerated. In summary, the available evidence is currently insufficient to determine the role of this variant in disease. Therefore, it has been classified as a Variant of Uncertain Significance.

Ambry Genetics
Classification: Likely benign for Hereditary cancer-predisposing syndrome. Last evaluated: 2023-02-27. Review status: criteria provided, single submitter. Criteria: Ambry Variant Classification Scheme 2023. Collection method: clinical testing. Allele origin: germline.

GeneDx
Classification: Likely benign. Last evaluated: 2021-04-06. Review status: criteria provided, single submitter. Criteria: GeneDx Variant Classification Process June 2021. Collection method: clinical testing. Allele origin: germline. Affected: yes.
Comment: This variant is associated with the following publications: (PMID: 27748766, 29056344)

NM_002691.4(POLD1):c.2669C>T (p.Ala890Val)

Gene: POLD1 (DNA polymerase delta 1, catalytic subunit; plus strand). Cytogenetic location: 19q13.33.
Variant type: single nucleotide variant.
Coding change: c.2669C>T on transcript NM_002691.4 (MANE Select); coding-DNA position 2669, C replaced by T.
Protein change: p.Ala890Val; replaces alanine 890 with valine.
Molecular consequence: missense variant. On other transcripts: non-coding transcript variant (1).
Genome position (GRCh38, 1-based): chr19:50,415,542, C>T. VCF-style: chr19-50415542-C-T. GRCh37 (hg19) VCF-style: chr19-50918799-C-T.
Other names: c.2669C>T, p.Ala890Val (NM_001256849.1); c.2747C>T, p.Ala916Val (NM_001308632.1); c.2669C>T (NM_002691.2); short protein forms A890V, A916V.
Identifiers: ClinVar variation 407969 (VCV000407969.14), dbSNP rs146344351, ClinGen allele CA9596605.